The following is an entry in ClinVar:

NM_001040108.2(MLH3):c.888C>G (p.His296Gln)

Gene: MLH3 (mutL homolog 3; minus strand). Cytogenetic location: 14q24.3.
Variant type: single nucleotide variant.
Coding change: c.888C>G on transcript NM_001040108.2 (MANE Select); coding-DNA position 888, C replaced by G.
Protein change: p.His296Gln; replaces histidine 296 with glutamine.
Molecular consequence: missense variant.
Genome position (GRCh38, 1-based): chr14:75,048,768, G>C on the plus strand (C>G on the coding strand, the complement: MLH3 is on the minus strand). VCF-style: chr14-75048768-G-C. GRCh37 (hg19) VCF-style: chr14-75515471-G-C.
Other names: c.888C>G, p.His296Gln (NM_014381.3); short protein forms H296Q.
Identifiers: ClinVar variation 4552104 (VCV004552104.1).

ClinVar aggregate classification (germline): Uncertain significance (1 of 4 stars; one submission).

Submission:

Ambry Genetics
Classification: Uncertain significance. Last evaluated: 2025-10-26. Review status: criteria provided, single submitter. Criteria: Ambry Variant Classification Scheme 2023. Collection method: clinical testing. Allele origin: germline.
Comment: The p.H296Q variant (also known as c.888C>G), located in coding exon 1 of the MLH3 gene, results from a C to G substitution at nucleotide position 888. The histidine at codon 296 is replaced by glutamine, an amino acid with highly similar properties. This amino acid position is conserved. In addition, this alteration is predicted to be tolerated by in silico analysis. Based on the available evidence, the clinical significance of this variant remains unclear.